The following is an entry in ClinVar:

NM_022574.4:c.668_680del13

Gene: GIGYF1 (GRB10 interacting GYF protein 1; minus strand).
Variant type: Deletion.
Identifiers: ClinVar variation 4263660 (VCV004263660.1).

ClinVar aggregate classification (germline): Pathogenic (1 of 4 stars; one submission).

Submission:

Ambry Genetics
Classification: Pathogenic. Last evaluated: 2025-07-02. Review status: criteria provided, single submitter. Criteria: Ambry Variant Classification Scheme 2023. Collection method: clinical testing. Allele origin: germline.
Comment: The c.668_680del13 (p.G223Afs*118) alteration, located in exon 7 (coding exon 7) of the GIGYF1 gene, consists of a deletion of 13 nucleotides from position 668 to 680, causing a translational frameshift with a predicted alternate stop codon after 118 amino acids. This alteration is expected to result in loss of function by premature protein truncation or nonsense-mediated mRNA decay. This variant was not reported in population-based cohorts in the Genome Aggregation Database (gnomAD). Based on the available evidence, this alteration is classified as pathogenic.